The following is an entry in ClinVar:

NM_014915.3(ANKRD26):c.734T>C (p.Leu245Ser)

Gene: ANKRD26 (ankyrin repeat domain 26; minus strand). Cytogenetic location: 10p12.1.
Variant type: single nucleotide variant.
Coding change: c.734T>C on transcript NM_014915.3 (MANE Select); coding-DNA position 734, T replaced by C.
Protein change: p.Leu245Ser; replaces leucine 245 with serine.
Molecular consequence: missense variant.
Genome position (GRCh38, 1-based): chr10:27,082,809, A>G on the plus strand (T>C on the coding strand, the complement: ANKRD26 is on the minus strand). VCF-style: chr10-27082809-A-G. GRCh37 (hg19) VCF-style: chr10-27371738-A-G.
Other names: c.734T>C, p.Leu245Ser (NM_001256053.2); short protein forms L245S.
Identifiers: ClinVar variation 4859045 (VCV004859045.1).
Genomic context (GRCh38, chr10:27,082,809, plus strand): 5'-TTTCTTTTCTCTGTATTCCTTTAAATATATTTTTAAAAATCTGTAAAATACTACCTGCTT[A>G]AGGAGTCTTCAGAGCTTTCATCCACTATTAAAGAGAAAAGTAAAACACACTTTAAATCAA-3'
Protein context (NP_055730.2, residues 235-255): NSVDESSEDS[Leu245Ser]SRLSGKPGVD

ClinVar aggregate classification (germline): Uncertain significance (1 of 4 stars; one submission).

Conditions:
Inborn genetic diseases. Identifiers: MedGen C0950123, MeSH D030342.

Submission:

Ambry Genetics
Classification: Uncertain significance for Inborn genetic diseases. Last evaluated: 2026-03-16. Review status: criteria provided, single submitter. Criteria: Ambry Variant Classification Scheme 2023. Collection method: clinical testing. Allele origin: germline.
Comment: The p.L245S variant (also known as c.734T>C), located in coding exon 6 of the ANKRD26 gene, results from a T to C substitution at nucleotide position 734. The leucine at codon 245 is replaced by serine, an amino acid with dissimilar properties. This amino acid position is conserved. In addition, this alteration is predicted to be tolerated by in silico analysis. Based on the available evidence, the clinical significance of this variant remains unclear.